The following is an entry in ClinVar:

ClinVar aggregate classification (germline): Uncertain significance. Review status: reviewed by expert panel (3 of 4 stars). 2 submissions from 2 submitters: Uncertain significance (1). 1 of the submissions does not count toward it. Last evaluated 2021-05-06.

Conditions:
POLG-related disorder. Also called: POLG-related condition; POLG-Related Disorders; POLG-Related Spectrum Disorders. Identifiers: MedGen C4763519.
Mitochondrial disease. Also called: Mitochondrial disorder; Mitochondrial disorders. Identifiers: Orphanet 68380, MedGen C0751651, MeSH D028361, MONDO:0044970.

Allele frequency attached by ClinVar (database versions not stated): gnomAD exomes 0.00001.
gnomAD v4.1: 4 of 1,498,052 alleles (0.00027%); highest among the groups gnomAD compares: Non-Finnish European, 0.00037%; no homozygotes.

Submissions (2):

ClinGen Mitochondrial Disease Nuclear and Mitochondrial  Variant Curation Expert Panel, ClinGen
Classification: Uncertain significance for Mitochondrial disease. Last evaluated: 2021-05-06. Review status: reviewed by expert panel. Criteria: clingen mito disease acmg specifications v1-1. Collection method: curation. Allele origin: germline. Inheritance: Autosomal recessive inheritance.
Comment: The c.*420A>G variant in POLG was absent from databases (PM2). Given the limited data no computational score available. There were no cases in the literature. In summary, there is not sufficient evidence to characterize this variant as pathogenic or benign, therefore it is characterized as a variant of uncertain significance for primary mitochondrial disease inherited in a autosomal recessive manner. ntDNA ACMG/AMP criteria for POLG applied: PM2

Illumina Laboratory Services, Illumina
Classification: Uncertain significance for POLG-Related Spectrum Disorders. Last evaluated: 2018-01-13. Review status: criteria provided, single submitter. Criteria: ICSL Variant Classification Criteria 13 December 2019. Collection method: clinical testing. Allele origin: germline. Not counted in ClinVar's aggregate classification.

NM_002693.3(POLG):c.*420A>G

Genes: POLG (DNA polymerase gamma, catalytic subunit; minus strand), FANCI (FA complementation group I; plus strand). Cytogenetic location: 15q26.1.
Variant type: single nucleotide variant.
Coding change: c.*420A>G on transcript NM_002693.3 (MANE Select); 420 bases downstream of the stop codon, A replaced by G.
Molecular consequence: 3 prime UTR variant. On other transcripts: intron variant (4).
Genome position (GRCh38, 1-based): chr15:89,316,331, T>C on the plus strand (A>G on the coding strand, the complement: POLG is on the minus strand). VCF-style: chr15-89316331-T-C. GRCh37 (hg19) VCF-style: chr15-89859562-T-C.
Other names: c.*420A>G (NM_001126131.2); c.3745-66T>C (NM_018193.3); c.3925-66T>C (NM_001376911.1, NM_001113378.2); c.3646-66T>C (NM_001376910.1).
Identifiers: ClinVar variation 885824 (VCV000885824.5), dbSNP rs2055257867, ClinGen allele CA1139664131.